The following is an entry in ClinVar:

NM_000130.5(F5):c.405G>A (p.Ala135=)

Gene: F5 (coagulation factor V; minus strand). Cytogenetic location: 1q24.2.
Variant type: single nucleotide variant.
Coding change: c.405G>A on transcript NM_000130.5 (MANE Select); coding-DNA position 405, G replaced by A.
Protein change: p.Ala135=; no amino-acid change (alanine 135 retained).
Molecular consequence: synonymous variant.
Genome position (GRCh38, 1-based): chr1:169,560,735, C>T on the plus strand (G>A on the coding strand, the complement: F5 is on the minus strand). VCF-style: chr1-169560735-C-T. GRCh37 (hg19) VCF-style: chr1-169529973-C-T.
Other names: p.Ala135=.
Identifiers: ClinVar variation 255207 (VCV000255207.12), dbSNP rs6029, ClinGen allele CA1234618.
Genomic context (GRCh38, chr1:169,560,735, plus strand): 5'-ACTGATACTCCATTCATAGGTGTATTCTCGGCCTGGAGCCACAGCGTCGTCCATCTTCTC[C>T]GCAGGGAATGTGTGGTCAAGGTAAGAAGCACCTGGAGGAGTAACAGCCATCAAGACATGT-3'
Protein context (NP_000121.2, residues 125-145): GASYLDHTFP[Ala135=]EKMDDAVAPG

ClinVar aggregate classification (germline): Benign/Likely benign. Review status: criteria provided, multiple submitters, no conflicts (2 of 4 stars). 7 submissions from 5 submitters: Benign (6); Likely benign (1). Last evaluated 2026-02-04.

Conditions:
Thrombophilia due to thrombin defect (THPH1). Also called: Thrombosis susceptibility; THROMBOPHILIA DUE TO FACTOR 2 DEFECT; Prothrombin-Related Thrombophilia (Factor II); Prothrombin Thrombophilia. Identifiers: MedGen C3160733, MONDO:0008559, OMIM 188050. Disease mechanism: gain of function, loss of function.
Congenital factor V deficiency. Also called: LABILE FACTOR DEFICIENCY; OWREN PARAHEMOPHILIA; PARAHEMOPHILIA; Hereditary factor V deficiency disease. Identifiers: Orphanet 326, MedGen C0015499, MONDO:0009210, OMIM 227400.
Budd-Chiari syndrome (BDCHS). Also called: Hepatic vein obstruction. Identifiers: Orphanet 131, MedGen C0856761, MONDO:0010947, OMIM 600880, HP:0002639.
Factor V deficiency. Also called: Reduced coagulation factor V activity. Identifiers: Orphanet 326, MedGen C4317320, MONDO:0020586, HP:0003225.

Allele frequency attached by ClinVar (database versions not stated): gnomAD exomes 0.19827 and 0.25674; ExAC 0.25596; ESP Exome Variant Server 0.28956; gnomAD 0.30567 and 0.30714; TOPMed 0.31904; 1000 Genomes Project 0.39876; 1000 Genomes Project 30x 0.39975.
gnomAD v4.1: 338,337 of 1,612,154 alleles (21%); highest among the groups gnomAD compares: East Asian, 61%; 45,051 homozygotes.

Submissions (7):

Labcorp Genetics (formerly Invitae), Labcorp
Classification: Benign for Congenital factor V deficiency. Last evaluated: 2026-02-04. Review status: criteria provided, single submitter. Criteria: Invitae Variant Classification Sherloc (09022015). Collection method: clinical testing. Allele origin: germline.

Illumina Laboratory Services, Illumina
Classification: Benign for Venous thrombosis. Last evaluated: 2018-01-12. Review status: criteria provided, single submitter. Criteria: ICSL Variant Classification Criteria 13 December 2019. Collection method: clinical testing. Allele origin: germline.
Comment: This variant was observed in the ICSL laboratory as part of a predisposition screen in an ostensibly healthy population. It had not been previously curated by ICSL or reported in the Human Gene Mutation Database (HGMD: prior to June 1st, 2018), and was therefore a candidate for classification through an automated scoring system. Utilizing variant allele frequency, disease prevalence and penetrance estimates, and inheritance mode, an automated score was calculated to assess if this variant is too frequent to cause the disease. Based on the score and internal cut-off values, a variant classified as benign is not then subjected to further curation. The score for this variant resulted in a classification of benign for this disease.

Illumina Laboratory Services, Illumina
Classification: Benign for Congenital factor V deficiency. Last evaluated: 2018-01-12. Review status: criteria provided, single submitter. Criteria: ICSL Variant Classification Criteria 13 December 2019. Collection method: clinical testing. Allele origin: germline.
Comment: the same text as in the submission from Illumina Laboratory Services, Illumina above.

Illumina Laboratory Services, Illumina
Classification: Benign for Budd-Chiari syndrome. Last evaluated: 2018-01-12. Review status: criteria provided, single submitter. Criteria: ICSL Variant Classification Criteria 13 December 2019. Collection method: clinical testing. Allele origin: germline.
Comment: the same text as in the submission from Illumina Laboratory Services, Illumina above.

Mayo Clinic Laboratories, Mayo Clinic
Classification: Benign. Last evaluated: 2016-05-26. Review status: criteria provided, single submitter. Criteria: ACMG Guidelines, 2015. Collection method: clinical testing. Allele origin: germline. Observed: 81 variant alleles.

Breakthrough Genomics
Classification: Likely benign. Review status: criteria provided, single submitter. Criteria: ACMG Guidelines, 2015. Collection method: not provided. Allele origin: germline. Inheritance: Autosomal recessive inheritance. Affected: yes.

PreventionGenetics, part of Exact Sciences
Classification: Benign. Review status: criteria provided, single submitter. Criteria: ACMG Guidelines, 2015. Collection method: clinical testing. Allele origin: germline.